The following is an entry in ClinVar:

ClinVar aggregate classification (germline): Uncertain significance (0 of 4 stars; one submission).

Conditions:
SEMA3C-related disorder. Also called: SEMA3C-related condition.

Submission:

PreventionGenetics, part of Exact Sciences
Classification: Uncertain significance for SEMA3C-related condition. Last evaluated: 2023-11-14. Review status: no assertion criteria provided. Collection method: clinical testing. Allele origin: germline.
Comment: The SEMA3C c.2303_2304delAG variant is predicted to result in a frameshift and premature protein termination (p.Glu768Valfs*24). To our knowledge, this variant has not been reported in the literature or in a large population database, indicating this variant is rare. Loss of function variants in SEMA3C have not been reported in association with disease. At this time, the clinical significance of this variant is uncertain due to the absence of conclusive functional and genetic evidence.

NM_006379.5(SEMA3C):c.2249_2250del (p.Glu750fs)

Gene: SEMA3C (semaphorin 3C; minus strand). Cytogenetic location: 7q21.11.
Variant type: Microsatellite.
Coding change: c.2249_2250del on transcript NM_006379.5 (MANE Select); coding-DNA positions 2249 to 2250, 2 bases deleted (AG; older notation c.2249_2250delAG).
Protein change: p.Glu750fs; shifts the reading frame from glutamic acid 750.
Molecular consequence: frameshift variant.
Genome position (GRCh38, 1-based): chr7:80,744,900-80,744,901, CT deleted on the plus strand (AG on the coding strand, the reverse complement: SEMA3C is on the minus strand); deleting any 2 consecutive bases within chr7:80,744,900-80,744,903 gives the same sequence; the c. name uses the placement nearest the transcript's 3' end. VCF-style (leftmost placement, unchanged base first): chr7-80744899-ACT-A. GRCh37 (hg19) VCF-style: chr7-80374215-ACT-A.
Other names: c.2303_2304del, p.Glu768fs (NM_001350120.2); c.2075_2076del, p.Glu692fs (NM_001350121.2); short protein forms E692fs, E750fs, E768fs.
Identifiers: ClinVar variation 3349628 (VCV003349628.1).